The following is an entry in ClinVar:

ClinVar aggregate classification (germline): Pathogenic (1 of 4 stars; one submission).

Conditions:
Ellis-van Creveld syndrome (EVC). Also called: EVC-Related Ellis-van Creveld Syndrome; EVC2-Related Ellis-van Creveld Syndrome; MESOECTODERMAL DYSPLASIA; Chondroectodermal dysplasia. Identifiers: Orphanet 289, MedGen C0013903, MONDO:0009162, OMIM 225500.
Curry-Hall syndrome (WAD). Also called: WEYERS ACRODENTAL DYSOSTOSIS. Identifiers: Orphanet 952, MedGen C0457013, MONDO:0008673, OMIM 193530.

Submission:

Labcorp Genetics (formerly Invitae), Labcorp
Classification: Pathogenic for Curry-Hall syndrome; Ellis-van Creveld syndrome. Last evaluated: 2025-11-01. Review status: criteria provided, single submitter. Criteria: Invitae Variant Classification Sherloc (09022015). Collection method: clinical testing. Allele origin: germline.
Comment: This sequence change inserts a large fragment of DNA, likely a transposable element, in exon 6 of the EVC gene (c.720_721ins?), causing a frameshift at codon 241 (p.Lys241fs). The exact size and sequence of the insertion cannot be determined by the current assay. However, the insertion is expected to result in an absent or disrupted protein product. This variant is not present in population databases (gnomAD no frequency). This variant has not been reported in the literature in individuals affected with EVC-related conditions. Retrotransposon insertions including LINE1 (L1), Alu, and SVA (SINE-VNTR-Alu) have been reported to be disease-causing through disruption of either a coding region or splice site (PMID: 19763152, 20307669, 22406018) and loss-of-function variants in EVC are known to be pathogenic (PMID: 23220543). For these reasons, this variant has been classified as Pathogenic.

Literature cited by the submitters: PubMed 19763152; PubMed 20307669; PubMed 22406018; PubMed 23220543.

NM_153717.3(EVC):c.720_721insTTTTTTTTTTTTTTTTTTTTNNNNNNNNNNTCGTGATCCGCCCGCCTCGGCCTCCCAAAGTGCTGGGATTACAGGCGTGAGCCACCGCGCCCGGCCGTTTATTCAGATTTTT (p.Lys241delinsPhePhePhePhePhePheXaaXaaXaaXaaSerTer)

Gene: EVC (EvC ciliary complex subunit 1; plus strand). Cytogenetic location: 4p16.2.
Variant type: Insertion.
Coding change: c.720_721insTTTTTTTTTTTTTTTTTTTTNNNNNNNNNNTCGTGATCCGCCCGCCTCGGCCTCCCAAAGTGCTGGGATTACAGGCGTGAGCCACCGCGCCCGGCCGTTTATTCAGATTTTT on transcript NM_153717.3 (MANE Select); coding-DNA positions 720 to 721, TTTTTTTTTTTTTTTTTTTTNNNNNNNNNNTCGTGATCCGCCCGCCTCGGCCTCCCAAAGTGCTGGGATTACAGGCGTGAGCCACCGCGCCCGGCCGTTTATTCAGATTTTT inserted.
Protein change: p.Lys241delinsPhePhePhePhePhePheXaaXaaXaaXaaSerTer.
Molecular consequence: nonsense.
Genome position: GRCh38: chr4:5,741,733-5,741,734. GRCh37 (hg19): chr4:5,743,460-5,743,461.
Other names: c.720_721insTTTTTTTTTTTTTTTTTTTTNNNNNNNNNNTCGTGATCCGCCCGCCTCGGCCTCCCAAAGTGCTGGGATTACAGGCGTGAGCCACCGCGCCCGGCCGTTTATTCAGATTTTT, p.Lys241delinsPhePhePhePhePhePheXaaXaaXaaXaaSerTer (NM_001306090.2, NM_001306092.2).
Identifiers: ClinVar variation 4786583 (VCV004786583.1).